The following is an entry in ClinVar:

ClinVar aggregate classification (germline): Conflicting classifications of pathogenicity. Review status: criteria provided, conflicting classifications (1 of 4 stars). 2 submissions from 2 submitters: Pathogenic (1); Uncertain significance (1). Last evaluated 2022-07-15.

Conditions:
Ornithine carbamoyltransferase deficiency (OTCD). Also called: Ornithine Carbamoyltransferase Deficiency Disease; OTC DEFICIENCY; ORNITHINE TRANSCARBAMYLASE DEFICIENCY; ORNITHINE TRANSCARBAMYLASE DEFICIENCY, HYPERAMMONEMIA DUE TO. Identifiers: Orphanet 664, MedGen C0268542, MONDO:0010703, OMIM 311250.

Submissions (2):

Labcorp Genetics (formerly Invitae), Labcorp
Classification: Uncertain significance for Ornithine carbamoyltransferase deficiency. Last evaluated: 2022-07-15. Review status: criteria provided, single submitter. Criteria: Invitae Variant Classification Sherloc (09022015). Collection method: clinical testing. Allele origin: germline.
Comment: In summary, the available evidence is currently insufficient to determine the role of this variant in disease. Therefore, it has been classified as a Variant of Uncertain Significance. Variants that disrupt the consensus splice site are a relatively common cause of aberrant splicing (PMID: 17576681, 9536098). Studies have shown that this variant results in the activation of a cryptic splice site in exon 8 (PMID: 23278509). ClinVar contains an entry for this variant (Variation ID: 1686000). This variant has been observed in individual(s) with ornithine transcarbamylase deficiency (PMID: 23278509). In at least one individual the variant was observed to be de novo. This variant is not present in population databases (gnomAD no frequency). This sequence change affects codon 289 of the OTC mRNA. It is a 'silent' change, meaning that it does not change the encoded amino acid sequence of the OTC protein. RNA analysis indicates that this variant induces altered splicing and likely results in the loss of 4 amino acid residue(s), but is expected to preserve the integrity of the reading-frame.

Mendelics
Classification: Pathogenic for Ornithine carbamoyltransferase deficiency. Last evaluated: 2022-05-04. Review status: criteria provided, single submitter. Criteria: Mendelics Assertion Criteria 2019. Collection method: clinical testing. Allele origin: germline.

Literature cited by the submitters: PubMed 17576681 (cited by Labcorp Genetics (formerly Invitae), Labcorp); PubMed 9536098 (cited by Labcorp Genetics (formerly Invitae), Labcorp); PubMed 23278509 (cited by Labcorp Genetics (formerly Invitae), Labcorp).

NM_000531.6(OTC):c.867G>A (p.Lys289=)

Gene: OTC (ornithine transcarbamylase; plus strand). Cytogenetic location: Xp11.4.
Variant type: single nucleotide variant.
Coding change: c.867G>A on transcript NM_000531.6 (MANE Select); coding-DNA position 867, G replaced by A.
Protein change: p.Lys289=; no amino-acid change (lysine 289 retained).
Molecular consequence: synonymous variant.
Genome position (GRCh38, 1-based): chrX:38,409,025, G>A. VCF-style: chrX-38409025-G-A. GRCh37 (hg19) VCF-style: chrX-38268278-G-A.
Identifiers: ClinVar variation 1686000 (VCV001686000.6), dbSNP rs72558456, ClinGen allele CA515642392.